The following is an entry in ClinVar:

NM_004281.4(BAG3):c.71C>G (p.Pro24Arg)

Gene: BAG3 (BAG cochaperone 3; plus strand). Cytogenetic location: 10q26.11.
Variant type: single nucleotide variant.
Coding change: c.71C>G on transcript NM_004281.4 (MANE Select); coding-DNA position 71, C replaced by G.
Protein change: p.Pro24Arg; replaces proline 24 with arginine.
Molecular consequence: missense variant.
Genome position (GRCh38, 1-based): chr10:119,651,746, C>G. VCF-style: chr10-119651746-C-G. GRCh37 (hg19) VCF-style: chr10-121411258-C-G.
Other names: short protein forms P24R.
Identifiers: ClinVar variation 1497740 (VCV001497740.7), dbSNP rs771609568, ClinGen allele CA5716209.

ClinVar aggregate classification (germline): Uncertain significance. Review status: criteria provided, multiple submitters, no conflicts (2 of 4 stars). 2 submissions from 2 submitters: Uncertain significance (2). Last evaluated 2026-05-13.

Conditions:
Myofibrillar myopathy 6. Identifiers: Orphanet 199340, MedGen C2751831, MONDO:0013061, OMIM 612954.
Dilated cardiomyopathy 1HH (CMD1HH). Identifiers: Orphanet 154, MedGen C3151293, MONDO:0013479, OMIM 613881.

Allele frequency attached by ClinVar (database versions not stated): gnomAD 0.00001; TOPMed below 0.00001; ExAC 0.00001; gnomAD exomes 0.00001.
gnomAD v4.1: 20 of 1,599,912 alleles (0.0013%); highest among the groups gnomAD compares: Non-Finnish European, 0.0017%; no homozygotes.

Submissions (2):

Women's Health and Genetics/Laboratory Corporation of America, LabCorp
Classification: Uncertain significance. Last evaluated: 2026-05-13. Review status: criteria provided, single submitter. Criteria: LabCorp Variant Classification Summary - May 2015. Collection method: clinical testing. Allele origin: germline.
Comment: Variant summary: BAG3 c.71C>G (p.Pro24Arg) results in a non-conservative amino acid change in the encoded protein sequence. Algorithms developed to predict the effect of missense changes on protein structure and function all suggest that this variant is likely to be disruptive. The variant was absent in 236846 control chromosomes. The available data on variant occurrences in the general population are insufficient to allow any conclusion about variant significance. To our knowledge, no occurrence of c.71C>G in individuals affected with BAG3-related conditions and no experimental evidence demonstrating its impact on protein function have been reported. ClinVar contains an entry for this variant (Variation ID: 1497740). Based on the evidence outlined above, the variant was classified as uncertain significance.

Labcorp Genetics (formerly Invitae), Labcorp
Classification: Uncertain significance for Dilated cardiomyopathy 1HH; Myofibrillar myopathy 6. Last evaluated: 2025-11-25. Review status: criteria provided, single submitter. Criteria: Invitae Variant Classification Sherloc (09022015). Collection method: clinical testing. Allele origin: germline.
Comment: This sequence change replaces proline, which is neutral and non-polar, with arginine, which is basic and polar, at codon 24 of the BAG3 protein (p.Pro24Arg). This variant is present in population databases (rs771609568, gnomAD 0.0009%). This variant has not been reported in the literature in individuals affected with BAG3-related conditions. ClinVar contains an entry for this variant (Variation ID: 1497740). An algorithm developed to predict the effect of missense changes on protein structure and function (PolyPhen-2) suggests that this variant is likely to be disruptive. In summary, the available evidence is currently insufficient to determine the role of this variant in disease. Therefore, it has been classified as a Variant of Uncertain Significance.